The following is an entry in ClinVar:

NM_020911.2(PLXNA4):c.3728_3729inv (p.Ala1243Val)

Gene: PLXNA4 (plexin A4; minus strand). Cytogenetic location: 7q32.3.
Variant type: Inversion.
Coding change: c.3728_3729inv on transcript NM_020911.2 (MANE Select).
Protein change: p.Ala1243Val; replaces alanine 1243 with valine.
Molecular consequence: missense variant.
Genome position: GRCh38 VCF-style: chr7-132179832-TG-CA. GRCh37 (hg19) VCF-style: chr7-131864591-TG-CA.
Other names: c.3728_3729inv, p.Ala1243Val (NM_001393897.1); short protein forms A1243V.
Identifiers: ClinVar variation 4987852 (VCV004987852.1).
Genomic context (GRCh38, chr7:132,179,832, plus strand): 5'-CTTGCGTTTATAGGCAATGAGCACGGCCACGATGAAAATGATGAGGAGGCCGCCAGCCAC[TG>CA]CGATGCTGACGATGGCGGGCAGGCTGAGCGGGCTGTCCGGGGCAATGTACACCATCCCCG-3'
Protein context (NP_065962.1, residues 1233-1253): PLSLPAIVSI[Ala1243Val]VAGGLLIIFI

ClinVar aggregate classification (germline): Uncertain significance (1 of 4 stars; one submission).

Conditions:
PLXNA4-related disorder. Also called: PLXNA4-related condition.

Submission:

PreventionGenetics, part of Exact Sciences
Classification: Uncertain significance for PLXNA4-related condition. Last evaluated: 2026-06-08. Review status: criteria provided, single submitter. Criteria: ACMG Guidelines, 2015. Collection method: clinical testing. Allele origin: germline.
Comment: The PLXNA4 c.3728_3729delinsTG variant is predicted to result in an in-frame deletion and insertion. To our knowledge, this variant has not been reported in the literature or in a large population database (gnomAD), indicating this variant is rare. At this time, the clinical significance of this variant is uncertain due to the absence of conclusive functional and genetic evidence.